The following is an entry in ClinVar:

NM_000016.6(ACADM):c.1257C>A (p.Tyr419Ter)

Gene: ACADM (acyl-CoA dehydrogenase medium chain; plus strand). Cytogenetic location: 1p31.1.
Variant type: single nucleotide variant.
Coding change: c.1257C>A on transcript NM_000016.6 (MANE Select); coding-DNA position 1257, C replaced by A.
Protein change: p.Tyr419Ter; replaces tyrosine 419 with a stop codon.
Molecular consequence: nonsense.
Genome position (GRCh38, 1-based): chr1:75,762,754, C>A. VCF-style: chr1-75762754-C-A. GRCh37 (hg19) VCF-style: chr1-76228439-C-A.
Other names: c.1269C>A, p.Tyr423Ter (NM_001127328.3); c.1149C>A, p.Tyr383Ter (NM_001286042.2); c.1356C>A, p.Tyr452Ter (NM_001286043.2); c.690C>A, p.Tyr230Ter (NM_001286044.2); short protein forms Y419*, Y452*, Y230*, Y383*, Y423*.
Identifiers: ClinVar variation 488675 (VCV000488675.17), dbSNP rs753928772, ClinGen allele CA913320.

ClinVar aggregate classification (germline): Conflicting classifications of pathogenicity. Review status: criteria provided, conflicting classifications (1 of 4 stars). 9 submissions from 9 submitters: Pathogenic (2); Likely pathogenic (5); Uncertain significance (1). 1 of the submissions does not count toward it. Last evaluated 2025-11-19.

Conditions:
Medium-chain acyl-coenzyme A dehydrogenase deficiency (ACADMD). Also called: ACADM DEFICIENCY; MCADH DEFICIENCY; Medium chain acyl-CoA dehydrogenase deficiency; MCADD; MCAD Deficiency; CARNITINE DEFICIENCY SECONDARY TO MEDIUM-CHAIN ACYL-CoA DEHYDROGENASE DEFICIENCY. Identifiers: Orphanet 42, MedGen C0220710, MONDO:0008721, OMIM 201450.

Allele frequency attached by ClinVar (database versions not stated): gnomAD 0.00001; ExAC 0.00002; TOPMed 0.00002; gnomAD exomes 0.00004.
gnomAD v4.1: 19 of 1,592,128 alleles (0.0012%); highest among the groups gnomAD compares: Non-Finnish European, 0.000086%; no homozygotes.

Submissions (9):

Natera, Inc.
Classification: Likely pathogenic for Medium Chain Acyl-CoA Dehydrogenase Deficiency. Last evaluated: 2025-11-19. Review status: criteria provided, single submitter. Criteria: Natera Variant Classification Schema (03/2026). Collection method: clinical testing. Allele origin: germline.
Comment: The c.1257C>A variant in ACADM is a nonsense variant predicted to introduce a stop codon at amino acid 419. This variant may result in a truncated or dysfunctional protein product. This variant is rare in the general population with a frequency below the threshold expected for the associated phenotype(s). This variant has been observed in one or more individuals affected with the associated recessive disease, as either homozygous or compound heterozygous with a second variant (PMID: 20036593). Given the available evidence, this variant is classified as Likely Pathogenic.

Greenwood Genetic Center Diagnostic Laboratories, Greenwood Genetic Center
Classification: Likely pathogenic for Medium-chain acyl-coenzyme A dehydrogenase deficiency. Last evaluated: 2025-05-05. Review status: criteria provided, single submitter. Criteria: ACMG Guidelines, 2015. Collection method: clinical testing. Allele origin: germline. Affected: yes.
Comment: PS3_Moderate, PM2, PM3

Labcorp Genetics (formerly Invitae), Labcorp
Classification: Uncertain significance for Medium-chain acyl-coenzyme A dehydrogenase deficiency. Last evaluated: 2024-12-04. Review status: criteria provided, single submitter. Criteria: Invitae Variant Classification Sherloc (09022015). Collection method: clinical testing. Allele origin: germline.
Comment: This sequence change creates a premature translational stop signal (p.Tyr419*) in the ACADM gene. While this is not anticipated to result in nonsense mediated decay, it is expected to disrupt the last 3 amino acid(s) of the ACADM protein. This variant is present in population databases (rs753928772, gnomAD 0.08%). This premature translational stop signal has been observed in individual(s) with ACADM-related conditions (PMID: 32778825). ClinVar contains an entry for this variant (Variation ID: 488675). Algorithms developed to predict the effect of variants on gene product structure and function are not available or were not evaluated for this variant. Experimental studies have shown that this premature translational stop signal affects ACADM function (PMID: 24966162). In summary, the available evidence is currently insufficient to determine the role of this variant in disease. Therefore, it has been classified as a Variant of Uncertain Significance.

Revvity Omics, Revvity
Classification: Likely pathogenic for Medium-chain acyl-coenzyme A dehydrogenase deficiency. Last evaluated: 2024-10-29. Review status: criteria provided, single submitter. Criteria: ACMG Guidelines, 2015. Collection method: clinical testing. Allele origin: germline.

Women's Health and Genetics/Laboratory Corporation of America, LabCorp
Classification: Likely pathogenic for Medium-chain acyl-coenzyme A dehydrogenase deficiency. Last evaluated: 2024-05-23. Review status: criteria provided, single submitter. Criteria: LabCorp Variant Classification Summary - May 2015. Collection method: clinical testing. Allele origin: germline.
Comment: Variant summary: ACADM c.1257C>A (p.Tyr419X) results in a premature termination codon, predicted to cause a truncation of the encoded protein or absence of the protein, which are commonly known mechanisms for disease. The variant allele was found at a frequency of 3.6e-05 in 247506 control chromosomes (gnomAD). c.1257C>A has been reported in the literature in at-least one homozygous individual affected with Medium Chain Acyl-CoA Dehydrogenase Deficiency (example: Arnold_2010). One publication reported experimental evidence evaluating an impact of c.1257C>G which results in the same protein effect p.Tyr419X . The most pronounced variant effect results in <10% of normal activity (Koster_2014). The following publications have been ascertained in the context of this evaluation (PMID: 20036593, 24966162). ClinVar contains an entry for this variant (Variation ID: 488675). Based on the evidence outlined above, the variant was classified as likely pathogenic.

Fulgent Genetics
Classification: Likely pathogenic for Medium-chain acyl-coenzyme A dehydrogenase deficiency. Last evaluated: 2024-03-25. Review status: criteria provided, single submitter. Criteria: ACMG Guidelines, 2015. Collection method: clinical testing. Allele origin: germline.

Baylor Genetics
Classification: Pathogenic for Medium-chain acyl-coenzyme A dehydrogenase deficiency. Last evaluated: 2024-03-21. Review status: criteria provided, single submitter. Criteria: ACMG Guidelines, 2015. Collection method: clinical testing. Allele origin: unknown.

GeneDx
Classification: Pathogenic. Last evaluated: 2020-01-07. Review status: criteria provided, single submitter. Criteria: GeneDx Variant Classification Process June 2021. Collection method: clinical testing. Allele origin: germline. Affected: yes.
Comment: Nonsense variant in the C-terminus predicted to result in protein truncation, as the last 3 amino acids are lost; Has not been previously published as pathogenic or benign to our knowledge; This variant is associated with the following publications: (PMID: 20036593)

Counsyl
Classification: Likely pathogenic for Medium-chain acyl-coenzyme A dehydrogenase deficiency. Last evaluated: 2018-12-26. Review status: no assertion criteria provided. Collection method: clinical testing. Allele origin: unknown. Not counted in ClinVar's aggregate classification.

Literature cited by the submitters: PubMed 20036593 (cited by 3 submitters); PubMed 32778825 (cited by Labcorp Genetics (formerly Invitae), Labcorp); PubMed 24966162 (cited by 3 submitters).